The following is an entry in ClinVar:

ClinVar aggregate classification (germline): Likely pathogenic (1 of 4 stars; one submission).

Conditions:
alpha Thalassemia. Also called: Alpha thalassemia spectrum. Identifiers: Orphanet 846, MedGen C0002312, MONDO:0011399, OMIM 604131.

Submission:

Natera, Inc.
Classification: Likely pathogenic for Alpha thalassemia. Last evaluated: 2024-05-22. Review status: criteria provided, single submitter. Criteria: Natera Variant Classification Schema (03/2026). Collection method: clinical testing. Allele origin: germline.
Comment: The c.96del variant in HBA2 is a frameshift variant predicted to shift the reading frame beginning at codon 33 and leads to a stop codon 17 codons downstream. This variant is expected to result in nonsense mediated decay, truncation, or a dysfunctional protein product. This variant is rare in the general population with a frequency below the threshold expected for the associated phenotype(s). Given the available evidence, this variant is classified as Likely Pathogenic.

NM_000517.5(HBA2):c.96del

Genes: HBA2 (hemoglobin subunit alpha 2; plus strand), LOC106804612 (hemoglobin subunit alpha 2 recombination region; plus strand). Cytogenetic location: 16p13.3.
Variant type: Deletion.
Coding change: c.96del on transcript NM_000517.5; coding-DNA position 96, one base deleted (G; older notation c.96delG).
Genome position (GRCh38, 1-based): chr16:173,125, G deleted; the last of 2 consecutive G bases (chr16:173,124-173,125); deleting either gives the same sequence. VCF-style (leftmost placement, unchanged base first): chr16-173123-AG-A. GRCh37 (hg19) VCF-style: chr16-223122-AG-A.
Identifiers: ClinVar variation 4818697 (VCV004818697.1).
Genomic context (GRCh38, chr16:173,123, plus strand): 5'-CCACCCTCAACCGTCCTGGCCCCGGACCCAAACCCCACCCCTCACTCTGCTTCTCCCCGC[AG>A]GATGTTCCTGTCCTTCCCCACCACCAAGACCTACTTCCCGCACTTCGACCTGAGCCACGG-3'